The following is an entry in ClinVar:

NM_007186.6(CEP250):c.4475T>G (p.Leu1492Arg)

Gene: CEP250 (centrosomal protein 250; plus strand). Cytogenetic location: 20q11.22.
Variant type: single nucleotide variant.
Coding change: c.4475T>G on transcript NM_007186.6 (MANE Select); coding-DNA position 4475, T replaced by G.
Protein change: p.Leu1492Arg; replaces leucine 1492 with arginine.
Molecular consequence: missense variant.
Genome position (GRCh38, 1-based): chr20:35,502,844, T>G. VCF-style: chr20-35502844-T-G. GRCh37 (hg19) VCF-style: chr20-34090672-T-G.
Other names: c.2579T>G, p.Leu860Arg (NM_001318219.1); short protein forms L860R, L1492R.
Identifiers: ClinVar variation 2116892 (VCV002116892.4), dbSNP rs2516233633, ClinGen allele CA408748328.

ClinVar aggregate classification (germline): Uncertain significance (1 of 4 stars; one submission).

Submission:

Labcorp Genetics (formerly Invitae), Labcorp
Classification: Uncertain significance. Last evaluated: 2022-04-04. Review status: criteria provided, single submitter. Criteria: Invitae Variant Classification Sherloc (09022015). Collection method: clinical testing. Allele origin: germline.
Comment: This sequence change replaces leucine, which is neutral and non-polar, with arginine, which is basic and polar, at codon 1492 of the CEP250 protein (p.Leu1492Arg). This variant is not present in population databases (gnomAD no frequency). This variant has not been reported in the literature in individuals affected with CEP250-related conditions. Algorithms developed to predict the effect of missense changes on protein structure and function are either unavailable or do not agree on the potential impact of this missense change (SIFT: "Not Available"; PolyPhen-2: "Probably Damaging"; Align-GVGD: "Not Available"). In summary, the available evidence is currently insufficient to determine the role of this variant in disease. Therefore, it has been classified as a Variant of Uncertain Significance.